The following is an entry in ClinVar:

NM_145059.3(FCSK):c.2299C>T (p.Arg767Trp)

Gene: FCSK (fucose kinase; plus strand). Cytogenetic location: 16q22.1.
Variant type: single nucleotide variant.
Coding change: c.2299C>T on transcript NM_145059.3 (MANE Select); coding-DNA position 2299, C replaced by T.
Protein change: p.Arg767Trp; replaces arginine 767 with tryptophan.
Molecular consequence: missense variant.
Genome position (GRCh38, 1-based): chr16:70,474,933, C>T. VCF-style: chr16-70474933-C-T. GRCh37 (hg19) VCF-style: chr16-70508836-C-T.
Other names: short protein forms R767W.
Identifiers: ClinVar variation 2985515 (VCV002985515.3), dbSNP rs376138712, ClinGen allele CA8143548.

ClinVar aggregate classification (germline): Uncertain significance (1 of 4 stars; one submission).

Allele frequency attached by ClinVar (database versions not stated): gnomAD exomes 0.00001; TOPMed 0.00001; gnomAD 0.00002; ExAC 0.00004; ESP Exome Variant Server 0.00008.
gnomAD v4.1: 17 of 1,611,242 alleles (0.0011%); highest among the groups gnomAD compares: African/African-American, 0.004%; no homozygotes.

Submission:

Labcorp Genetics (formerly Invitae), Labcorp
Classification: Uncertain significance. Last evaluated: 2024-02-11. Review status: criteria provided, single submitter. Criteria: Invitae Variant Classification Sherloc (09022015). Collection method: clinical testing. Allele origin: germline.
Comment: This sequence change replaces arginine, which is basic and polar, with tryptophan, which is neutral and slightly polar, at codon 767 of the FUK protein (p.Arg767Trp). This variant is present in population databases (rs376138712, gnomAD 0.009%). This variant has not been reported in the literature in individuals affected with FUK-related conditions. An algorithm developed to predict the effect of missense changes on protein structure and function (PolyPhen-2) suggests that this variant is likely to be disruptive. In summary, the available evidence is currently insufficient to determine the role of this variant in disease. Therefore, it has been classified as a Variant of Uncertain Significance.